The following is an entry in ClinVar:

NM_002693.3(POLG):c.3359T>C (p.Phe1120Ser)

Gene: POLG (DNA polymerase gamma, catalytic subunit; minus strand). Cytogenetic location: 15q26.1.
Variant type: single nucleotide variant.
Coding change: c.3359T>C on transcript NM_002693.3 (MANE Select); coding-DNA position 3359, T replaced by C.
Protein change: p.Phe1120Ser; replaces phenylalanine 1120 with serine.
Molecular consequence: missense variant.
Genome position (GRCh38, 1-based): chr15:89,318,664, A>G on the plus strand (T>C on the coding strand, the complement: POLG is on the minus strand). VCF-style: chr15-89318664-A-G. GRCh37 (hg19) VCF-style: chr15-89861895-A-G.
Other names: c.3359T>C, p.Phe1120Ser (NM_001126131.2); short protein forms F1120S.
Identifiers: ClinVar variation 2824757 (VCV002824757.2), dbSNP rs2055344461, ClinGen allele CA393749901.

ClinVar aggregate classification (germline): Uncertain significance (1 of 4 stars; one submission).

Conditions:
Progressive sclerosing poliodystrophy (MTDPS4A). Also called: ALPERS PROGRESSIVE INFANTILE POLIODYSTROPHY; NEURONAL DEGENERATION OF CHILDHOOD WITH LIVER DISEASE, PROGRESSIVE; Alpers Syndrome; ALPERS DIFFUSE DEGENERATION OF CEREBRAL GRAY MATTER WITH HEPATIC CIRRHOSIS; Alpers-Huttenlocher Syndrome; Mitochondrial DNA Depletion Syndrome 4A. Identifiers: Orphanet 726, MedGen C0205710, MONDO:0008758, OMIM 203700.

Submission:

Labcorp Genetics (formerly Invitae), Labcorp
Classification: Uncertain significance for Progressive sclerosing poliodystrophy. Last evaluated: 2023-12-11. Review status: criteria provided, single submitter. Criteria: Invitae Variant Classification Sherloc (09022015). Collection method: clinical testing. Allele origin: germline.
Comment: This sequence change replaces phenylalanine, which is neutral and non-polar, with serine, which is neutral and polar, at codon 1120 of the POLG protein (p.Phe1120Ser). This variant is not present in population databases (gnomAD no frequency). This variant has not been reported in the literature in individuals affected with POLG-related conditions. Advanced modeling of protein sequence and biophysical properties (such as structural, functional, and spatial information, amino acid conservation, physicochemical variation, residue mobility, and thermodynamic stability) performed at Invitae indicates that this missense variant is expected to disrupt POLG protein function with a positive predictive value of 95%. In summary, the available evidence is currently insufficient to determine the role of this variant in disease. Therefore, it has been classified as a Variant of Uncertain Significance.